The following is an entry in ClinVar:

ClinVar aggregate classification (germline): Likely pathogenic (1 of 4 stars; one submission).

Conditions:
HSD17B4-related disorder. Also called: HSD17B4-related disorders; HSD17B4-related condition.

gnomAD v4.1: 2 of 1,579,782 alleles (0.00013%); highest among the groups gnomAD compares: Non-Finnish European, 0.00017%; no homozygotes.

Submission:

PreventionGenetics, part of Exact Sciences
Classification: Likely pathogenic for HSD17B4-related condition. Last evaluated: 2024-11-22. Review status: criteria provided, single submitter. Criteria: ACMG Guidelines, 2015. Collection method: clinical testing. Allele origin: germline.
Comment: The HSD17B4 c.1261G>C variant is predicted to result in the amino acid substitution p.Gly421Arg. This nucleotide change is located at the last base of exon 14 and is predicted to weaken the nearby normal splice donor site signal (Alamut Visual Plus v1.6.1; SpliceAI, Jaganathan et al. 2019. PubMed ID: 30661751). However, the use of computer prediction programs is not equivalent to functional evidence. To our knowledge, this variant has not been reported in the literature or in a large population database (gnomAD), indicating this variant is rare. This variant is interpreted as likely pathogenic.

NM_000414.4(HSD17B4):c.1261G>C (p.Gly421Arg)

Gene: HSD17B4 (hydroxysteroid 17-beta dehydrogenase 4; plus strand). Cytogenetic location: 5q23.1.
Variant type: single nucleotide variant.
Coding change: c.1261G>C on transcript NM_000414.4 (MANE Select); coding-DNA position 1261, G replaced by C.
Protein change: p.Gly421Arg; replaces glycine 421 with arginine.
Molecular consequence: missense variant. On other transcripts: non-coding transcript variant (2).
Genome position (GRCh38, 1-based): chr5:119,502,092, G>C. VCF-style: chr5-119502092-G-C. GRCh37 (hg19) VCF-style: chr5-118837787-G-C.
Other names: c.1336G>C, p.Gly446Arg (NM_001199291.3); c.1207G>C, p.Gly403Arg (NM_001199292.2); c.1189G>C, p.Gly397Arg (NM_001292027.2); c.841G>C, p.Gly281Arg (NM_001292028.2); c.1252G>C, p.Gly418Arg (NM_001374497.1); c.1261G>C, p.Val421Leu (NM_001374498.1); c.934G>C, p.Gly312Arg (NM_001374499.1); c.820G>C, p.Gly274Arg (NM_001374500.1); and 1 more; short protein forms G274R, G281R, G284R, G312R, G397R, G403R, G418R, G421R.
Identifiers: ClinVar variation 3344302 (VCV003344302.2).